The following is an entry in ClinVar:

ClinVar aggregate classification (germline): Conflicting classifications of pathogenicity. Review status: criteria provided, conflicting classifications (1 of 4 stars). 3 submissions from 3 submitters: Uncertain significance (2); Likely benign (1). Last evaluated 2025-07-07.

Conditions:
Inborn genetic diseases. Identifiers: MedGen C0950123, MeSH D030342.
OTOGL-related disorder. Also called: OTOGL-related condition.

Allele frequency attached by ClinVar (database versions not stated): 1000 Genomes Project 30x 0.00016; ExAC 0.00016; 1000 Genomes Project 0.00020; ESP Exome Variant Server 0.00038.
gnomAD v4.1: 123 of 1,593,314 alleles (0.0077%); highest among the groups gnomAD compares: African/African-American, 0.13%; no homozygotes.

Submissions (3):

PreventionGenetics, part of Exact Sciences
Classification: Likely benign for OTOGL-related condition. Last evaluated: 2025-07-07. Review status: criteria provided, single submitter. Criteria: ACMG Guidelines, 2015. Collection method: clinical testing. Allele origin: germline.
Comment: This variant is classified as likely benign based on ACMG/AMP sequence variant interpretation guidelines (Richards et al. 2015 PMID: 25741868, with internal and published modifications).

Labcorp Genetics (formerly Invitae), Labcorp
Classification: Uncertain significance. Last evaluated: 2022-06-23. Review status: criteria provided, single submitter. Criteria: Invitae Variant Classification Sherloc (09022015). Collection method: clinical testing. Allele origin: germline.
Comment: This sequence change replaces valine, which is neutral and non-polar, with isoleucine, which is neutral and non-polar, at codon 2225 of the OTOGL protein (p.Val2225Ile). This variant is present in population databases (rs151051494, gnomAD 0.1%). This variant has not been reported in the literature in individuals affected with OTOGL-related conditions. Algorithms developed to predict the effect of missense changes on protein structure and function output the following: SIFT: "Tolerated"; PolyPhen-2: "Benign"; Align-GVGD: "Class C0". The isoleucine amino acid residue is found in multiple mammalian species, which suggests that this missense change does not adversely affect protein function. Algorithms developed to predict the effect of sequence changes on RNA splicing suggest that this variant may disrupt the consensus splice site. In summary, the available evidence is currently insufficient to determine the role of this variant in disease. Therefore, it has been classified as a Variant of Uncertain Significance.

Ambry Genetics
Classification: Uncertain significance for Inborn genetic diseases. Last evaluated: 2021-08-09. Review status: criteria provided, single submitter. Criteria: Ambry Variant Classification Scheme 2023. Collection method: clinical testing. Allele origin: germline.

NM_001378609.3(OTOGL):c.6700G>A (p.Val2234Ile)

Gene: OTOGL (otogelin like; plus strand). Cytogenetic location: 12q21.31.
Variant type: single nucleotide variant.
Coding change: c.6700G>A on transcript NM_001378609.3 (MANE Select); coding-DNA position 6700, G replaced by A.
Protein change: p.Val2234Ile; replaces valine 2234 with isoleucine.
Molecular consequence: missense variant.
Genome position (GRCh38, 1-based): chr12:80,370,654, G>A. VCF-style: chr12-80370654-G-A. GRCh37 (hg19) VCF-style: chr12-80764434-G-A.
Other names: c.6565G>A, p.Val2189Ile (NM_001368062.3); c.6700G>A, p.Val2234Ile (NM_001378610.3, NM_173591.7); short protein forms V2189I, V2234I.
Identifiers: ClinVar variation 2049073 (VCV002049073.3), dbSNP rs151051494, ClinGen allele CA6702114.